The following is an entry in ClinVar:

ClinVar aggregate classification (germline): Uncertain significance (1 of 4 stars; one submission).

Conditions:
Parathyroid carcinoma (PRTC). Also called: CDC73-Related Parathyroid Carcinoma; Parathyroid gland carcinoma. Identifiers: Orphanet 143, MedGen C0687150, MONDO:0012004, OMIM 608266, HP:0006780.

Submission:

Labcorp Genetics (formerly Invitae), Labcorp
Classification: Uncertain significance for Parathyroid carcinoma. Last evaluated: 2025-08-13. Review status: criteria provided, single submitter. Criteria: Invitae Variant Classification Sherloc (09022015). Collection method: clinical testing. Allele origin: germline.
Comment: This sequence change replaces glycine, which is neutral and non-polar, with arginine, which is basic and polar, at codon 449 of the CDC73 protein (p.Gly449Arg). This variant is not present in population databases (gnomAD no frequency). This variant has not been reported in the literature in individuals affected with CDC73-related conditions. Invitae Evidence Modeling of protein sequence and biophysical properties (such as structural, functional, and spatial information, amino acid conservation, physicochemical variation, residue mobility, and thermodynamic stability) indicates that this missense variant is expected to disrupt CDC73 protein function with a positive predictive value of 80%. In summary, the available evidence is currently insufficient to determine the role of this variant in disease. Therefore, it has been classified as a Variant of Uncertain Significance.

NM_024529.5(CDC73):c.1345G>C (p.Gly449Arg)

Gene: CDC73 (cell division cycle 73; plus strand). Cytogenetic location: 1q31.2.
Variant type: single nucleotide variant.
Coding change: c.1345G>C on transcript NM_024529.5 (MANE Select); coding-DNA position 1345, G replaced by C.
Protein change: p.Gly449Arg; replaces glycine 449 with arginine.
Molecular consequence: missense variant.
Genome position (GRCh38, 1-based): chr1:193,236,284, G>C. VCF-style: chr1-193236284-G-C. GRCh37 (hg19) VCF-style: chr1-193205414-G-C.
Other names: short protein forms G449R.
Identifiers: ClinVar variation 4746550 (VCV004746550.1).